The following is an entry in ClinVar:

NM_005529.7(HSPG2):c.13098C>T (p.Pro4366=)

Genes: HSPG2 (heparan sulfate proteoglycan 2; minus strand), LDLRAD2 (low density lipoprotein receptor class A domain containing 2; plus strand). Cytogenetic location: 1p36.12.
Variant type: single nucleotide variant.
Coding change: c.13098C>T on transcript NM_005529.7 (MANE Select); coding-DNA position 13098, C replaced by T.
Protein change: p.Pro4366=; no amino-acid change (proline 4366 retained).
Molecular consequence: synonymous variant. On other transcripts: 3 prime UTR variant (1).
Genome position (GRCh38, 1-based): chr1:21,823,394, G>A on the plus strand (C>T on the coding strand, the complement: HSPG2 is on the minus strand). VCF-style: chr1-21823394-G-A. GRCh37 (hg19) VCF-style: chr1-22149887-G-A.
Other names: c.13098C>T (NM_005529.6); c.13101C>T, p.Pro4367= (NM_001291860.2); c.*1179G>A (NM_001013693.3).
Identifiers: ClinVar variation 289422 (VCV000289422.16), dbSNP rs759562639, ClinGen allele CA669128.

ClinVar aggregate classification (germline): Conflicting classifications of pathogenicity. Review status: criteria provided, conflicting classifications (1 of 4 stars). 4 submissions from 4 submitters: Uncertain significance (1); Likely benign (3). Last evaluated 2024-10-15.

Conditions:
HSPG2-related disorder. Also called: HSPG2-related condition; HSPG2-related disorders.

Allele frequency attached by ClinVar (database versions not stated): gnomAD exomes 0.00002; ExAC 0.00005; gnomAD 0.00005 and 0.00007; TOPMed 0.00015.
gnomAD v4.1: 45 of 1,562,724 alleles (0.0029%); highest among the groups gnomAD compares: African/African-American, 0.014%; no homozygotes.

Submissions (4):

PreventionGenetics, part of Exact Sciences
Classification: Likely benign for HSPG2-related condition. Last evaluated: 2024-10-15. Review status: criteria provided, single submitter. Criteria: ACMG Guidelines, 2015. Collection method: clinical testing. Allele origin: germline.
Comment: This variant is classified as likely benign based on ACMG/AMP sequence variant interpretation guidelines (Richards et al. 2015 PMID: 25741868, with internal and published modifications).

Blueprint Genetics
Classification: Likely benign. Last evaluated: 2023-11-15. Review status: criteria provided, single submitter. Criteria: ACMG Guidelines, 2015. Collection method: clinical testing. Allele origin: germline.

Labcorp Genetics (formerly Invitae), Labcorp
Classification: Likely benign. Last evaluated: 2023-10-11. Review status: criteria provided, single submitter. Criteria: Invitae Variant Classification Sherloc (09022015). Collection method: clinical testing. Allele origin: germline.

Eurofins Ntd Llc (ga)
Classification: Uncertain significance. Last evaluated: 2016-08-30. Review status: criteria provided, single submitter. Criteria: EGL Classification Definitions 2015. Collection method: clinical testing. Allele origin: germline. Observed: 1 variant allele, 1 heterozygote.